The following is an entry in ClinVar:

ClinVar aggregate classification (germline): Uncertain significance (1 of 4 stars; one submission).

Conditions:
Alstrom syndrome (ALMS). Identifiers: Orphanet 64, MedGen C0268425, MONDO:0008763, OMIM 203800.

Allele frequency attached by ClinVar (database versions not stated): gnomAD exomes 0.00001; ExAC 0.00002.
gnomAD v4.1: 5 of 1,613,718 alleles (0.00031%); highest among the groups gnomAD compares: Non-Finnish European, 0.00042%; no homozygotes.

Submission:

Labcorp Genetics (formerly Invitae), Labcorp
Classification: Uncertain significance for Alstrom syndrome. Last evaluated: 2022-03-19. Review status: criteria provided, single submitter. Criteria: Invitae Variant Classification Sherloc (09022015). Collection method: clinical testing. Allele origin: germline.
Comment: In summary, the available evidence is currently insufficient to determine the role of this variant in disease. Therefore, it has been classified as a Variant of Uncertain Significance. Experimental studies and prediction algorithms are not available or were not evaluated, and the functional significance of this variant is currently unknown. This variant has not been reported in the literature in individuals affected with ALMS1-related conditions. This variant is present in population databases (rs765112310, gnomAD 0.003%). This sequence change replaces valine, which is neutral and non-polar, with aspartic acid, which is acidic and polar, at codon 3762 of the ALMS1 protein (p.Val3762Asp).

NM_001378454.1(ALMS1):c.11282T>A (p.Val3761Asp)

Gene: ALMS1 (ALMS1 centrosome and basal body associated protein; plus strand). Cytogenetic location: 2p13.1.
Variant type: single nucleotide variant.
Coding change: c.11282T>A on transcript NM_001378454.1 (MANE Select); coding-DNA position 11282, T replaced by A.
Protein change: p.Val3761Asp; replaces valine 3761 with aspartic acid.
Molecular consequence: missense variant.
Genome position (GRCh38, 1-based): chr2:73,573,159, T>A. VCF-style: chr2-73573159-T-A. GRCh37 (hg19) VCF-style: chr2-73800286-T-A.
Other names: c.11285T>A, p.Val3762Asp (NM_015120.4); short protein forms V3762D, V3761D.
Identifiers: ClinVar variation 2194473 (VCV002194473.4), dbSNP rs765112310, ClinGen allele CA1715154.